The following is an entry in ClinVar:

ClinVar aggregate classification (germline): Uncertain significance (1 of 4 stars; one submission).

Submission:

Labcorp Genetics (formerly Invitae), Labcorp
Classification: Uncertain significance. Last evaluated: 2024-12-03. Review status: criteria provided, single submitter. Criteria: Invitae Variant Classification Sherloc (09022015). Collection method: clinical testing. Allele origin: germline.
Comment: This sequence change replaces isoleucine, which is neutral and non-polar, with threonine, which is neutral and polar, at codon 459 of the MTOR protein (p.Ile459Thr). This variant is not present in population databases (gnomAD no frequency). This variant has not been reported in the literature in individuals affected with MTOR-related conditions. Invitae Evidence Modeling of protein sequence and biophysical properties (such as structural, functional, and spatial information, amino acid conservation, physicochemical variation, residue mobility, and thermodynamic stability) indicates that this missense variant is not expected to disrupt MTOR protein function with a negative predictive value of 95%. In summary, the available evidence is currently insufficient to determine the role of this variant in disease. Therefore, it has been classified as a Variant of Uncertain Significance.

NM_004958.4(MTOR):c.1376T>C (p.Ile459Thr)

Gene: MTOR (mechanistic target of rapamycin kinase; minus strand). Cytogenetic location: 1p36.22.
Variant type: single nucleotide variant.
Coding change: c.1376T>C on transcript NM_004958.4 (MANE Select); coding-DNA position 1376, T replaced by C.
Protein change: p.Ile459Thr; replaces isoleucine 459 with threonine.
Molecular consequence: missense variant.
Genome position (GRCh38, 1-based): chr1:11,243,150, A>G on the plus strand (T>C on the coding strand, the complement: MTOR is on the minus strand). VCF-style: chr1-11243150-A-G. GRCh37 (hg19) VCF-style: chr1-11303207-A-G.
Other names: c.1376T>C, p.Ile459Thr (NM_001386500.1); c.128T>C, p.Ile43Thr (NM_001386501.1); short protein forms I43T, I459T.
Identifiers: ClinVar variation 3643616 (VCV003643616.2).
Genomic context (GRCh38, chr1:11,243,150, plus strand): 5'-TGAAATCATAACAGAGGTGCTTACTTATGGGCGAAGTCCTTTGGGGGCAGGGCCGCTCGG[A>G]TGATGTCCAGCACGCGAGGCAAATAGACCTTAAACTCAGACCTCACAGCCACAGAAAGTA-3'
Protein context (NP_004949.1, residues 449-469): KVYLPRVLDI[Ile459Thr]RAALPPKDFA